The following is an entry in ClinVar:

NM_001079866.2(BCS1L):c.1A>G (p.Met1Val)

Gene: BCS1L (BCS1 ubiquinol-cytochrome c reductase complex chaperone; plus strand). Cytogenetic location: 2q35.
Variant type: single nucleotide variant.
Coding change: c.1A>G on transcript NM_001079866.2 (MANE Select); coding-DNA position 1, A replaced by G.
Protein change: p.Met1Val; changes the start codon (methionine 1).
Molecular consequence: missense variant, initiator codon variant. On other transcripts: 5 prime UTR variant (5), non-coding transcript variant (1), intron variant (3).
Genome position (GRCh38, 1-based): chr2:218,660,988, A>G. VCF-style: chr2-218660988-A-G. GRCh37 (hg19) VCF-style: chr2-219525711-A-G.
Other names: c.1A>G, p.Met1Val (NM_001257342.2, NM_001257343.2, NM_001257344.2 and 10 more transcripts); c.-476A>G (NM_001371453.1, NM_001371454.1, NM_001371455.1 and 2 more transcripts); c.-41+240A>G (NM_001371451.1); c.-40-418A>G (NM_001318836.2); c.-41-771A>G (NM_001371452.1); short protein forms M1V.
Identifiers: ClinVar variation 1350357 (VCV001350357.6), dbSNP rs2106320484, ClinGen allele CA350624619.

ClinVar aggregate classification (germline): Pathogenic (1 of 4 stars; one submission).

Submission:

Labcorp Genetics (formerly Invitae), Labcorp
Classification: Pathogenic. Last evaluated: 2021-08-03. Review status: criteria provided, single submitter. Criteria: Invitae Variant Classification Sherloc (09022015). Collection method: clinical testing. Allele origin: germline.
Comment: This sequence change affects the initiator methionine of the BCS1L mRNA. The next in-frame methionine is located at codon 48. This variant is not present in population databases (ExAC no frequency). This variant has not been reported in the literature in individuals affected with BCS1L-related conditions. Algorithms developed to predict the effect of sequence changes on RNA splicing suggest that this variant may create or strengthen a splice site. This variant disrupts a region of the BCS1L protein in which other variant(s) (p.Arg45Cys) have been determined to be pathogenic (Invitae). This suggests that this is a clinically significant region of the protein, and that variants that disrupt it are likely to be disease-causing. For these reasons, this variant has been classified as Pathogenic.